The following is an entry in ClinVar:

ClinVar aggregate classification (germline): Uncertain significance. Review status: criteria provided, multiple submitters, no conflicts (2 of 4 stars). 3 submissions from 3 submitters: Uncertain significance (3). Last evaluated 2023-05-03.

Conditions:
Mulibrey nanism syndrome. Also called: MUSCLE-LIVER-BRAIN-EYE NANISM; PERHEENTUPA SYNDROME; PERICARDIAL CONSTRICTION AND GROWTH FAILURE. Identifiers: Orphanet 2576, MedGen C0524582, MONDO:0009664, OMIM 253250.
Inborn genetic diseases. Identifiers: MedGen C0950123, MeSH D030342.

Allele frequency attached by ClinVar (database versions not stated): gnomAD 0.00001; ExAC 0.00002; gnomAD exomes 0.00002; TOPMed 0.00002.

Submissions (3):

Ambry Genetics
Classification: Uncertain significance for Inborn genetic diseases. Last evaluated: 2023-05-03. Review status: criteria provided, single submitter. Criteria: Ambry Variant Classification Scheme 2023. Collection method: clinical testing. Allele origin: germline.

Labcorp Genetics (formerly Invitae), Labcorp
Classification: Uncertain significance. Last evaluated: 2021-08-14. Review status: criteria provided, single submitter. Criteria: Invitae Variant Classification Sherloc (09022015). Collection method: clinical testing. Allele origin: germline.
Comment: This sequence change replaces glutamine with arginine at codon 393 of the TRIM37 protein (p.Gln393Arg). The glutamine residue is highly conserved and there is a small physicochemical difference between glutamine and arginine. This variant is present in population databases (rs761341418, ExAC 0.02%). This variant has not been reported in the literature in individuals affected with TRIM37-related conditions. ClinVar contains an entry for this variant (Variation ID: 324202). Algorithms developed to predict the effect of missense changes on protein structure and function are either unavailable or do not agree on the potential impact of this missense change (SIFT: "Not Available"; PolyPhen-2: "Benign"; Align-GVGD: "Not Available"). In summary, the available evidence is currently insufficient to determine the role of this variant in disease. Therefore, it has been classified as a Variant of Uncertain Significance.

Illumina Laboratory Services, Illumina
Classification: Uncertain significance for Mulibrey nanism syndrome. Last evaluated: 2018-01-12. Review status: criteria provided, single submitter. Criteria: ICSL Variant Classification Criteria 13 December 2019. Collection method: clinical testing. Allele origin: germline.

NM_015294.6(TRIM37):c.1178A>G (p.Gln393Arg)

Gene: TRIM37 (tripartite motif containing 37; minus strand). Cytogenetic location: 17q22.
Variant type: single nucleotide variant.
Coding change: c.1178A>G on transcript NM_015294.6 (MANE Select); coding-DNA position 1178, A replaced by G.
Protein change: p.Gln393Arg; replaces glutamine 393 with arginine.
Molecular consequence: missense variant. On other transcripts: non-coding transcript variant (2).
Genome position (GRCh38, 1-based): chr17:59,056,896, T>C on the plus strand (A>G on the coding strand, the complement: TRIM37 is on the minus strand). VCF-style: chr17-59056896-T-C. GRCh37 (hg19) VCF-style: chr17-57134257-T-C.
Other names: c.1076A>G, p.Gln359Arg (NM_001320987.3, NM_001353082.2); c.1178A>G, p.Gln393Arg (NM_001320988.3, NM_001320989.3, NM_001353084.2 and 1 more transcripts); c.812A>G, p.Gln271Arg (NM_001320990.3); c.443A>G, p.Gln148Arg (NM_001353083.2); c.716A>G, p.Gln239Arg (NM_001353085.2); c.1127A>G, p.Gln376Arg (NM_001353086.2); short protein forms Q393R, Q148R, Q359R, Q376R, Q271R, Q239R.
Identifiers: ClinVar variation 324202 (VCV000324202.9), dbSNP rs761341418, ClinGen allele CA8678392.